The following is an entry in ClinVar:

ClinVar aggregate classification (germline): Uncertain significance. Review status: criteria provided, multiple submitters, no conflicts (2 of 4 stars). 2 submissions from 2 submitters: Uncertain significance (2). Last evaluated 2025-02-16.

Conditions:
Dilated cardiomyopathy 1JJ (CMD1JJ). Identifiers: Orphanet 154, MedGen C3808935, MONDO:0014095, OMIM 615235.
LAMA4-related disorder. Also called: LAMA4-related condition.

Submissions (2):

Labcorp Genetics (formerly Invitae), Labcorp
Classification: Uncertain significance for Dilated cardiomyopathy 1JJ. Last evaluated: 2025-02-16. Review status: criteria provided, single submitter. Criteria: Invitae Variant Classification Sherloc (09022015). Collection method: clinical testing. Allele origin: germline.
Comment: This variant, c.1179_1181del, results in the deletion of 1 amino acid(s) of the LAMA4 protein (p.Asn393del), but otherwise preserves the integrity of the reading frame. This variant is present in population databases (no rsID available, gnomAD 0.003%). This variant has not been reported in the literature in individuals affected with LAMA4-related conditions. Experimental studies and prediction algorithms are not available or were not evaluated, and the functional significance of this variant is currently unknown. In summary, the available evidence is currently insufficient to determine the role of this variant in disease. Therefore, it has been classified as a Variant of Uncertain Significance.

PreventionGenetics, part of Exact Sciences
Classification: Uncertain significance for LAMA4-related condition. Last evaluated: 2022-11-22. Review status: criteria provided, single submitter. Criteria: ACMG Guidelines, 2015. Collection method: clinical testing. Allele origin: germline.
Comment: The LAMA4 c.1179_1181delCAA variant is predicted to result in an in-frame deletion (p.Asn393del). To our knowledge, this variant has not been reported in the literature. This variant is reported in 0.0033% of alleles in individuals of South Asian descent in gnomAD. At this time, the clinical significance of this variant is uncertain due to the absence of conclusive functional and genetic evidence.

NM_001105206.3(LAMA4):c.1194CAA[2] (p.Asn400del)

Gene: LAMA4 (laminin subunit alpha 4; minus strand). Cytogenetic location: 6q21.
Variant type: Microsatellite.
Coding change: c.1194CAA[2] on transcript NM_001105206.3 (MANE Select); two copies in a row of the 3-base unit CAA starting at c.1194; the reference has three copies in a row; one copy, 3 bases deleted.
Protein change: p.Asn400del; deletes asparagine 400.
Molecular consequence: inframe deletion.
Genome position (GRCh38, 1-based): chr6:112,175,468-112,175,470, TTG deleted on the plus strand (CAA on the coding strand, the reverse complement: LAMA4 is on the minus strand); deleting any 3 consecutive bases within chr6:112,175,468-112,175,476 gives the same sequence; the position shown is the placement nearest the transcript's 3' end. VCF-style (leftmost placement, unchanged base first): chr6-112175467-CTTG-C. GRCh37 (hg19) VCF-style: chr6-112496669-CTTG-C.
Other names: c.1173CAA[2], p.Asn393del (NM_001105207.3, NM_002290.5); short protein forms N393del, N400del.
Identifiers: ClinVar variation 2628707 (VCV002628707.3), dbSNP rs1449255088, ClinGen allele CA365372410.